The following is an entry in ClinVar:

ClinVar aggregate classification (germline): Uncertain significance. Review status: criteria provided, multiple submitters, no conflicts (2 of 4 stars). 2 submissions from 2 submitters: Uncertain significance (2). Last evaluated 2023-03-04.

Conditions:
Hereditary cancer-predisposing syndrome. Also called: Tumor predisposition; Hereditary neoplastic syndrome; Neoplastic Syndromes, Hereditary; Hereditary Cancer Syndrome. Identifiers: Orphanet 140162, MedGen C0027672, MeSH D009386, MONDO:0015356.
Familial adenomatous polyposis 1 (FAP1). Also called: FAMILIAL ADENOMATOUS POLYPOSIS 1, ATTENUATED; POLYPOSIS, ADENOMATOUS INTESTINAL. Identifiers: MedGen C2713442, MONDO:0021056, OMIM 175100. Disease mechanism: loss of function.

Submissions (2):

Labcorp Genetics (formerly Invitae), Labcorp
Classification: Uncertain significance for Familial adenomatous polyposis 1. Last evaluated: 2023-03-04. Review status: criteria provided, single submitter. Criteria: Invitae Variant Classification Sherloc (09022015). Collection method: clinical testing. Allele origin: germline.
Comment: In summary, the available evidence is currently insufficient to determine the role of this variant in disease. Therefore, it has been classified as a Variant of Uncertain Significance. Advanced modeling of protein sequence and biophysical properties (such as structural, functional, and spatial information, amino acid conservation, physicochemical variation, residue mobility, and thermodynamic stability) performed at Invitae indicates that this missense variant is not expected to disrupt APC protein function. ClinVar contains an entry for this variant (Variation ID: 818491). This variant has not been reported in the literature in individuals affected with APC-related conditions. This variant is not present in population databases (gnomAD no frequency). This sequence change replaces isoleucine, which is neutral and non-polar, with threonine, which is neutral and polar, at codon 391 of the APC protein (p.Ile391Thr).

Ambry Genetics
Classification: Uncertain significance for Hereditary cancer-predisposing syndrome. Last evaluated: 2019-11-22. Review status: criteria provided, single submitter. Criteria: Ambry Variant Classification Scheme 2023. Collection method: clinical testing. Allele origin: germline.
Comment: The p.I391T variant (also known as c.1172T>C), located in coding exon 9 of the APC gene, results from a T to C substitution at nucleotide position 1172. The isoleucine at codon 391 is replaced by threonine, an amino acid with similar properties. This amino acid position is well conserved in available vertebrate species. In addition, in silico predictors for this gene do not accurately predict pathogenicity. Since supporting evidence is limited at this time, the clinical significance of this alteration remains unclear.

NM_000038.6(APC):c.1172T>C (p.Ile391Thr)

Gene: APC (APC regulator of Wnt signaling pathway; plus strand). Cytogenetic location: 5q22.2.
Variant type: single nucleotide variant.
Coding change: c.1172T>C on transcript NM_000038.6 (MANE Select); coding-DNA position 1172, T replaced by C.
Protein change: p.Ile391Thr; replaces isoleucine 391 with threonine.
Molecular consequence: missense variant. On other transcripts: intron variant (4).
Genome position (GRCh38, 1-based): chr5:112,819,204, T>C. VCF-style: chr5-112819204-T-C. GRCh37 (hg19) VCF-style: chr5-112154901-T-C.
Other names: c.1172T>C, p.Ile391Thr (NM_001127510.3, NM_001354895.2, NM_001354896.2); c.1118T>C, p.Ile373Thr (NM_001127511.3); c.1202T>C, p.Ile401Thr (NM_001354897.2); c.1097T>C, p.Ile366Thr (NM_001354898.2); c.1088T>C, p.Ile363Thr (NM_001354899.2); c.995T>C, p.Ile332Thr (NM_001354900.2, NM_001354901.2); c.323T>C, p.Ile108Thr (NM_001354906.2); c.964-65T>C (NM_001354902.2); and 3 more; short protein forms I108T, I332T, I401T, I363T, I391T, I366T, I373T.
Identifiers: ClinVar variation 818491 (VCV000818491.7), dbSNP rs1580530103, ClinGen allele CA16023872.